The following is an entry in ClinVar:

ClinVar aggregate classification (germline): Uncertain significance (1 of 4 stars; one submission).

Submission:

Labcorp Genetics (formerly Invitae), Labcorp
Classification: Uncertain significance. Last evaluated: 2025-09-07. Review status: criteria provided, single submitter. Criteria: Invitae Variant Classification Sherloc (09022015). Collection method: clinical testing. Allele origin: germline.
Comment: This sequence change replaces lysine, which is basic and polar, with asparagine, which is neutral and polar, at codon 52 of the EMC1 protein (p.Lys52Asn). This variant is not present in population databases (gnomAD no frequency). This variant has not been reported in the literature in individuals affected with EMC1-related conditions. Invitae Evidence Modeling of protein sequence and biophysical properties (such as structural, functional, and spatial information, amino acid conservation, physicochemical variation, residue mobility, and thermodynamic stability) indicates that this missense variant is not expected to disrupt EMC1 protein function with a negative predictive value of 80%. In summary, the available evidence is currently insufficient to determine the role of this variant in disease. Therefore, it has been classified as a Variant of Uncertain Significance.

NM_015047.3(EMC1):c.156G>C (p.Lys52Asn)

Gene: EMC1 (ER membrane protein complex subunit 1; minus strand). Cytogenetic location: 1p36.13.
Variant type: single nucleotide variant.
Coding change: c.156G>C on transcript NM_015047.3 (MANE Select); coding-DNA position 156, G replaced by C.
Protein change: p.Lys52Asn; replaces lysine 52 with asparagine.
Molecular consequence: missense variant.
Genome position (GRCh38, 1-based): chr1:19,244,970, C>G on the plus strand (G>C on the coding strand, the complement: EMC1 is on the minus strand). VCF-style: chr1-19244970-C-G. GRCh37 (hg19) VCF-style: chr1-19571464-C-G.
Other names: c.156G>C, p.Lys52Asn (NM_001271427.2, NM_001271428.2, NM_001271429.2 and 2 more transcripts); short protein forms K52N.
Identifiers: ClinVar variation 4780355 (VCV004780355.1).
Genomic context (GRCh38, chr1:19,244,970, plus strand): 5'-CTCCCCAGTTCGGGAATTTAATGCTGCAATCACATTCTTCTCTGTGGCTACAACCAACTT[C>G]TTGGATCCAGGGGAAAATTCCAAGGAGGCAAACTTGACCTTCCCAACATATTGCTGTCTC-3'
Protein context (NP_055862.1, residues 42-62): FASLEFSPGS[Lys52Asn]KLVVATEKNV